The following is an entry in ClinVar:

NM_152296.5(ATP1A3):c.1163A>G (p.His388Arg)

Gene: ATP1A3 (ATPase Na+/K+ transporting subunit alpha 3; minus strand). Cytogenetic location: 19q13.2.
Variant type: single nucleotide variant.
Coding change: c.1163A>G on transcript NM_152296.5 (MANE Select); coding-DNA position 1163, A replaced by G.
Protein change: p.His388Arg; replaces histidine 388 with arginine.
Molecular consequence: missense variant.
Genome position (GRCh38, 1-based): chr19:41,981,937, T>C on the plus strand (A>G on the coding strand, the complement: ATP1A3 is on the minus strand). VCF-style: chr19-41981937-T-C. GRCh37 (hg19) VCF-style: chr19-42486089-T-C.
Other names: c.1196A>G, p.His399Arg (NM_001256213.2); c.1202A>G, p.His401Arg (NM_001256214.2); short protein forms H388R, H399R, H401R.
Identifiers: ClinVar variation 3373265 (VCV003373265.1).
Genomic context (GRCh38, chr19:41,981,937, plus strand): 5'-CCCATGGTCCTCACCCGGGGCCTGCGCTCACCTGACTGGTCCTCAGTGGTGTCAGCCTCG[T>C]GGATCTGGTTGTCAAACCACATGTGGGCGACTGTCATGCGGTTCTGAGTGAGGGTCCCTG-3'
Protein context (NP_689509.1, residues 378-398): VAHMWFDNQI[His388Arg]EADTTEDQSG

ClinVar aggregate classification (germline): Uncertain significance (1 of 4 stars; one submission).

Submission:

GeneDx
Classification: Uncertain significance. Last evaluated: 2024-04-29. Review status: criteria provided, single submitter. Criteria: GeneDx Variant Classification Process June 2021. Collection method: clinical testing. Allele origin: germline. Affected: yes.
Comment: Not observed at significant frequency in large population cohorts (gnomAD); In silico analysis indicates that this missense variant does not alter protein structure/function; Has not been previously published as pathogenic or benign to our knowledge